The following is an entry in ClinVar:

NM_000494.4(COL17A1):c.948G>A (p.Ala316=)

Gene: COL17A1 (collagen type XVII alpha 1 chain; minus strand). Cytogenetic location: 10q25.1.
Variant type: single nucleotide variant.
Coding change: c.948G>A on transcript NM_000494.4 (MANE Select); coding-DNA position 948, G replaced by A.
Protein change: p.Ala316=; no amino-acid change (alanine 316 retained).
Molecular consequence: synonymous variant.
Genome position (GRCh38, 1-based): chr10:104,061,436, C>T on the plus strand (G>A on the coding strand, the complement: COL17A1 is on the minus strand). VCF-style: chr10-104061436-C-T. GRCh37 (hg19) VCF-style: chr10-105821194-C-T.
Other names: c.948G>A (NM_000494.3).
Identifiers: ClinVar variation 2887529 (VCV002887529.5), dbSNP rs764669393, ClinGen allele CA5679226.

ClinVar aggregate classification (germline): Likely benign. Review status: criteria provided, single submitter (1 of 4 stars). 2 submissions from 2 submitters: Likely benign (1). 1 of the submissions does not count toward it. Last evaluated 2024-02-23.

Conditions:
COL17A1-related disorder. Also called: COL17A1-related condition.

Allele frequency attached by ClinVar (database versions not stated): gnomAD 0.00003; TOPMed 0.00003; ExAC 0.00005.

Submissions (2):

Labcorp Genetics (formerly Invitae), Labcorp
Classification: Likely benign. Last evaluated: 2024-02-23. Review status: criteria provided, single submitter. Criteria: Invitae Variant Classification Sherloc (09022015). Collection method: clinical testing. Allele origin: germline.

PreventionGenetics, part of Exact Sciences
Classification: Likely benign for COL17A1-related condition. Last evaluated: 2019-08-08. Review status: no assertion criteria provided. Collection method: clinical testing. Allele origin: germline. Not counted in ClinVar's aggregate classification.
Comment: This variant is classified as likely benign based on ACMG/AMP sequence variant interpretation guidelines (Richards et al. 2015 PMID: 25741868, with internal and published modifications).